The following is an entry in ClinVar:

ClinVar aggregate classification (germline): Uncertain significance (1 of 4 stars; one submission).

Conditions:
Cardiovascular phenotype. Identifiers: MedGen CN230736.

Submission:

Ambry Genetics
Classification: Uncertain significance for Cardiovascular phenotype. Last evaluated: 2026-07-24. Review status: criteria provided, single submitter. Criteria: Ambry Variant Classification Scheme 2023. Collection method: clinical testing. Allele origin: germline.
Comment: The p.D1774N variant (also known as c.5320G>A), located in coding exon 35 of the MYH7 gene, results from a G to A substitution at nucleotide position 5320. The aspartic acid at codon 1774 is replaced by asparagine, an amino acid with highly similar properties. This amino acid position is conserved. In addition, this alteration is predicted to be tolerated by in silico analysis. Based on the available evidence, the clinical significance of this variant remains unclear.

NM_000257.4(MYH7):c.5320G>A (p.Asp1774Asn)

Gene: MYH7 (myosin heavy chain 7; minus strand). Cytogenetic location: 14q11.2.
Variant type: single nucleotide variant.
Coding change: c.5320G>A on transcript NM_000257.4 (MANE Select); coding-DNA position 5320, G replaced by A.
Protein change: p.Asp1774Asn; replaces aspartic acid 1774 with asparagine.
Molecular consequence: missense variant.
Genome position (GRCh38, 1-based): chr14:23,415,234, C>T on the plus strand (G>A on the coding strand, the complement: MYH7 is on the minus strand). VCF-style: chr14-23415234-C-T. GRCh37 (hg19) VCF-style: chr14-23884443-C-T.
Other names: c.5320G>A, p.Asp1774Asn (NM_001407004.1); short protein forms D1774N.
Identifiers: ClinVar variation 5025170 (VCV005025170.1).